The following is an entry in ClinVar:

NM_001378609.3(OTOGL):c.6290A>G (p.His2097Arg)

Gene: OTOGL (otogelin like; plus strand). Cytogenetic location: 12q21.31.
Variant type: single nucleotide variant.
Coding change: c.6290A>G on transcript NM_001378609.3 (MANE Select); coding-DNA position 6290, A replaced by G.
Protein change: p.His2097Arg; replaces histidine 2097 with arginine.
Molecular consequence: missense variant.
Genome position (GRCh38, 1-based): chr12:80,366,596, A>G. VCF-style: chr12-80366596-A-G. GRCh37 (hg19) VCF-style: chr12-80760376-A-G.
Other names: c.6155A>G, p.His2052Arg (NM_001368062.3); c.6290A>G, p.His2097Arg (NM_001378610.3, NM_173591.7); short protein forms H2052R, H2097R.
Identifiers: ClinVar variation 2446119 (VCV002446119.1), dbSNP rs775422143, ClinGen allele CA385889054.
Genomic context (GRCh38, chr12:80,366,596, plus strand): 5'-AAGCTAAATGATAAGTAATAGTAGTATATTTTCAATAGGGAGAATTTACTGCAATAGACC[A>G]TAACTTCCAGAGTGATTGTGGATGCATACAGTATCTCTGTGGTAACTATGTCTTTTGTAA-3'
Protein context (NP_001365538.2, residues 2087-2107): CEVGEFTAID[His2097Arg]NFQSDCGCIQ

ClinVar aggregate classification (germline): Uncertain significance (1 of 4 stars; one submission).

Allele frequency attached by ClinVar (database versions not stated): gnomAD exomes below 0.00001.
gnomAD v4.1: 1 of 1,420,148 alleles (0.00007%); highest among the groups gnomAD compares: Non-Finnish European, 0.000092%; no homozygotes.

Submission:

GeneDx
Classification: Uncertain significance. Last evaluated: 2022-09-23. Review status: criteria provided, single submitter. Criteria: GeneDx Variant Classification Process June 2021. Collection method: clinical testing. Allele origin: germline. Affected: yes.
Comment: Not observed at significant frequency in large population cohorts (gnomAD); In silico analysis supports that this missense variant does not alter protein structure/function; Has not been previously published as pathogenic or benign to our knowledge